The following is an entry in ClinVar:

ClinVar aggregate classification (germline): Uncertain significance (1 of 4 stars; one submission).

Conditions:
Hereditary cancer-predisposing syndrome. Also called: Neoplastic Syndromes, Hereditary; Tumor predisposition; Hereditary neoplastic syndrome; Hereditary Cancer Syndrome. Identifiers: Orphanet 140162, MedGen C0027672, MeSH D009386, MONDO:0015356.

Submission:

Ambry Genetics
Classification: Uncertain significance for Hereditary cancer-predisposing syndrome. Last evaluated: 2023-12-13. Review status: criteria provided, single submitter. Criteria: Ambry Variant Classification Scheme 2023. Collection method: clinical testing. Allele origin: germline.
Comment: The p.E488D variant (also known as c.1464A>T), located in coding exon 10 of the FH gene, results from an A to T substitution at nucleotide position 1464. The glutamic acid at codon 488 is replaced by aspartic acid, an amino acid with highly similar properties. This amino acid position is conserved. In addition, the in silico prediction for this alteration is inconclusive. Since supporting evidence is limited at this time, the clinical significance of this alteration remains unclear.

NM_000143.4(FH):c.1464A>T (p.Glu488Asp)

Gene: FH (fumarate hydratase; minus strand). Cytogenetic location: 1q43.
Variant type: single nucleotide variant.
Coding change: c.1464A>T on transcript NM_000143.4 (MANE Select); coding-DNA position 1464, A replaced by T.
Protein change: p.Glu488Asp; replaces glutamic acid 488 with aspartic acid.
Molecular consequence: missense variant.
Genome position (GRCh38, 1-based): chr1:241,497,897, T>A on the plus strand (A>T on the coding strand, the complement: FH is on the minus strand). VCF-style: chr1-241497897-T-A. GRCh37 (hg19) VCF-style: chr1-241661197-T-A.
Other names: short protein forms E488D.
Identifiers: ClinVar variation 3230439 (VCV003230439.1), dbSNP rs2527308428, ClinGen allele CA345450532.